The following is an entry in ClinVar:

ClinVar aggregate classification (germline): Uncertain significance (0 of 4 stars; one submission).

Conditions:
VSIG4-related disorder. Also called: VSIG4-related condition.

Submission:

PreventionGenetics, part of Exact Sciences
Classification: Uncertain significance for VSIG4-related condition. Last evaluated: 2024-06-21. Review status: no assertion criteria provided. Collection method: clinical testing. Allele origin: germline.
Comment: The VSIG4 c.472G>C variant is predicted to result in the amino acid substitution p.Gly158Arg. To our knowledge, this variant has not been reported in the literature or in a large population database, indicating this variant is rare. At this time, the clinical significance of this variant is uncertain due to the absence of conclusive functional and genetic evidence.

NM_007268.3(VSIG4):c.472G>C (p.Gly158Arg)

Genes: VSIG4 (V-set and immunoglobulin domain containing 4; minus strand), LOC126863268 (CDK7 strongly-dependent group 2 enhancer GRCh37_chrX:65252367-65253566; plus strand). Cytogenetic location: Xq12.
Variant type: single nucleotide variant.
Coding change: c.472G>C on transcript NM_007268.3 (MANE Select); coding-DNA position 472, G replaced by C.
Protein change: p.Gly158Arg; replaces glycine 158 with arginine.
Molecular consequence: missense variant. On other transcripts: intron variant (2).
Genome position (GRCh38, 1-based): chrX:66,032,690, C>G on the plus strand (G>C on the coding strand, the complement: VSIG4 is on the minus strand). VCF-style: chrX-66032690-C-G. GRCh37 (hg19) VCF-style: chrX-65252532-C-G.
Other names: c.472G>C, p.Gly158Arg (NM_001184830.2, NM_001257403.2); c.412+784G>C (NM_001100431.2, NM_001184831.2); short protein forms G158R.
Identifiers: ClinVar variation 3344334 (VCV003344334.1).
Genomic context (GRCh38, chrX:66,032,690, plus strand): 5'-ACCAAATATAACTGATGGGAGGAGAACCCCGAGCCTGGCATTGAAGGCTAATCCTCATTC[C>G]CTGGGGCACCGTGAAGCCATAACCGCTGCCAGTTGTCACTGTGGGCTTGGAGACAGAGAC-3'
Protein context (NP_009199.1, residues 148-168): GSGYGFTVPQ[Gly158Arg]MRISLQCQAR